The following is an entry in ClinVar:

NM_000540.3(RYR1):c.8226C>A (p.Thr2742=)

Gene: RYR1 (ryanodine receptor 1; plus strand). Cytogenetic location: 19q13.2.
Variant type: single nucleotide variant.
Coding change: c.8226C>A on transcript NM_000540.3 (MANE Select); coding-DNA position 8226, C replaced by A.
Protein change: p.Thr2742=; no amino-acid change (threonine 2742 retained).
Molecular consequence: synonymous variant.
Genome position (GRCh38, 1-based): chr19:38,504,906, C>A. VCF-style: chr19-38504906-C-A. GRCh37 (hg19) VCF-style: chr19-38995546-C-A.
Other names: c.8226C>A, p.Thr2742= (NM_001042723.2).
Identifiers: ClinVar variation 3071224 (VCV003071224.1), dbSNP rs1357579462, ClinGen allele CA507354301.

ClinVar aggregate classification (germline): Likely benign (1 of 4 stars; one submission).

Conditions:
Malignant hyperthermia, susceptibility to, 1 (MHS1). Also called: Anesthesia related hyperthermia; Malignant hyperpyrexia; Fulminating hyperpyrexia; Pharmacogenic myopathy; RYR1-Related Malignant Hyperthermia Susceptibility; Malignant hyperthermia suceptibility 1. Identifiers: Orphanet 423, MedGen C2930980, MONDO:0007783, OMIM 145600.

Submission:

All of Us Research Program, National Institutes of Health
Classification: Likely benign for Malignant hyperthermia, susceptibility to, 1. Last evaluated: 2023-05-16. Review status: criteria provided, single submitter. Criteria: ACMG Guidelines, 2015. Collection method: clinical testing. Allele origin: germline. Inheritance: Autosomal dominant inheritance. Observed: 1 variant allele, 1 heterozygote.
Comment: This study involves interpretation of variants in research participants for the purpose of population health screening. Participant phenotype was not available at the time of variant classification. Additional details can be found in publication PMID: 35346344, PMCID: PMC8962531